The following is an entry in ClinVar:

ClinVar aggregate classification (germline): Uncertain significance (1 of 4 stars; one submission).

Submission:

Labcorp Genetics (formerly Invitae), Labcorp
Classification: Uncertain significance. Last evaluated: 2022-06-27. Review status: criteria provided, single submitter. Criteria: Invitae Variant Classification Sherloc (09022015). Collection method: clinical testing. Allele origin: germline.
Comment: In summary, the available evidence is currently insufficient to determine the role of this variant in disease. Therefore, it has been classified as a Variant of Uncertain Significance. Algorithms developed to predict the effect of missense changes on protein structure and function are either unavailable or do not agree on the potential impact of this missense change (SIFT: "Tolerated"; PolyPhen-2: "Probably Damaging"; Align-GVGD: "Class C0"). This variant has not been reported in the literature in individuals affected with RUSC2-related conditions. This variant is not present in population databases (gnomAD no frequency). This sequence change replaces serine, which is neutral and polar, with proline, which is neutral and non-polar, at codon 334 of the RUSC2 protein (p.Ser334Pro).

NM_014806.5(RUSC2):c.1000T>C (p.Ser334Pro)

Gene: RUSC2 (RUN and SH3 domain containing 2; plus strand). Cytogenetic location: 9p13.3.
Variant type: single nucleotide variant.
Coding change: c.1000T>C on transcript NM_014806.5 (MANE Select); coding-DNA position 1000, T replaced by C.
Protein change: p.Ser334Pro; replaces serine 334 with proline.
Molecular consequence: missense variant. On other transcripts: non-coding transcript variant (1), intron variant (1).
Genome position (GRCh38, 1-based): chr9:35,547,521, T>C. VCF-style: chr9-35547521-T-C. GRCh37 (hg19) VCF-style: chr9-35547518-T-C.
Other names: c.1000T>C, p.Ser334Pro (NM_001135999.2); c.-620-7539T>C (NM_001330740.2); short protein forms S334P.
Identifiers: ClinVar variation 1368543 (VCV001368543.7), dbSNP rs1821783204, ClinGen allele CA373330154.
Genomic context (GRCh38, chr9:35,547,521, plus strand): 5'-CACTCAGACCCTGGCGCCTTCTATCTGGATCTGCAGCCCTCCCCATTTGAGTCTAAGATG[T>C]CTTATGAGTCCCATCACCCTGAAAGTGGAGGAAGGGAAGGGGGCTATGGTTGCCCTCATG-3'
Protein context (NP_055621.2, residues 324-344): LQPSPFESKM[Ser334Pro]YESHHPESGG